The following is an entry in ClinVar:

NM_000057.4(BLM):c.863G>C (p.Cys288Ser)

Gene: BLM (BLM RecQ like helicase; plus strand). Cytogenetic location: 15q26.1.
Variant type: single nucleotide variant.
Coding change: c.863G>C on transcript NM_000057.4 (MANE Select); coding-DNA position 863, G replaced by C.
Protein change: p.Cys288Ser; replaces cysteine 288 with serine.
Molecular consequence: missense variant. On other transcripts: 5 prime UTR variant (1).
Genome position (GRCh38, 1-based): chr15:90,751,850, G>C. VCF-style: chr15-90751850-G-C. GRCh37 (hg19) VCF-style: chr15-91295080-G-C.
Other names: c.863G>C, p.Cys288Ser (NM_001287246.2, NM_001287247.2); c.-429G>C (NM_001287248.2); c.863G>C (NM_000057.3); short protein forms C288S.
Identifiers: ClinVar variation 822623 (VCV000822623.12), dbSNP rs1260150929, ClinGen allele CA393841754.

ClinVar aggregate classification (germline): Uncertain significance. Review status: criteria provided, multiple submitters, no conflicts (2 of 4 stars). 3 submissions from 3 submitters: Uncertain significance (3). Last evaluated 2024-07-17.

Conditions:
Hereditary cancer-predisposing syndrome. Also called: Tumor predisposition; Hereditary Cancer Syndrome; Neoplastic Syndromes, Hereditary; Hereditary neoplastic syndrome. Identifiers: Orphanet 140162, MedGen C0027672, MeSH D009386, MONDO:0015356.
Bloom syndrome (BLM). Also called: Bloom-Torre-Machacek syndrome. Identifiers: Orphanet 125, MedGen C0005859, MONDO:0008876, OMIM 210900.

Submissions (3):

Ambry Genetics
Classification: Uncertain significance for Hereditary cancer-predisposing syndrome. Last evaluated: 2024-07-17. Review status: criteria provided, single submitter. Criteria: Ambry Variant Classification Scheme 2023. Collection method: clinical testing. Allele origin: germline.
Comment: The p.C288S variant (also known as c.863G>C), located in coding exon 3 of the BLM gene, results from a G to C substitution at nucleotide position 863. The cysteine at codon 288 is replaced by serine, an amino acid with dissimilar properties. This amino acid position is poorly conserved in available vertebrate species. In addition, this alteration is predicted to be tolerated by in silico analysis. Since supporting evidence is limited at this time, the clinical significance of this alteration remains unclear.

Quest Diagnostics Nichols Institute San Juan Capistrano
Classification: Uncertain significance. Last evaluated: 2024-07-11. Review status: criteria provided, single submitter. Criteria: Quest Diagnostics criteria. Collection method: clinical testing. Allele origin: unknown.
Comment: The BLM c.863G>C (p.Cys288Ser) variant has not been reported in individuals with BLM-related conditions in the published literature. It also has not been reported in large, multi-ethnic general populations (Genome Aggregation Database). Analysis of this variant using bioinformatics tools for the prediction of the effect of amino acid changes on protein structure and function yielded predictions that this variant is benign. Based on the available information, we are unable to determine the clinical significance of this variant.

Labcorp Genetics (formerly Invitae), Labcorp
Classification: Uncertain significance for Bloom syndrome. Last evaluated: 2022-05-10. Review status: criteria provided, single submitter. Criteria: Invitae Variant Classification Sherloc (09022015). Collection method: clinical testing. Allele origin: germline.
Comment: In summary, the available evidence is currently insufficient to determine the role of this variant in disease. Therefore, it has been classified as a Variant of Uncertain Significance. Algorithms developed to predict the effect of missense changes on protein structure and function (SIFT, PolyPhen-2, Align-GVGD) all suggest that this variant is likely to be tolerated. ClinVar contains an entry for this variant (Variation ID: 822623). This variant has not been reported in the literature in individuals affected with BLM-related conditions. This variant is not present in population databases (gnomAD no frequency). This sequence change replaces cysteine, which is neutral and slightly polar, with serine, which is neutral and polar, at codon 288 of the BLM protein (p.Cys288Ser).